The following is an entry in ClinVar:

NM_017752.3(TBC1D8B):c.1150C>T (p.Leu384Phe)

Gene: TBC1D8B (TBC1 domain family member 8B; plus strand). Cytogenetic location: Xq22.3.
Variant type: single nucleotide variant.
Coding change: c.1150C>T on transcript NM_017752.3 (MANE Select); coding-DNA position 1150, C replaced by T.
Protein change: p.Leu384Phe; replaces leucine 384 with phenylalanine.
Molecular consequence: missense variant.
Genome position (GRCh38, 1-based): chrX:106,827,284, C>T. VCF-style: chrX-106827284-C-T. GRCh37 (hg19) VCF-style: chrX-106070514-C-T.
Other names: c.1150C>T, p.Leu384Phe (NM_198881.2); c.1150C>T (NM_017752.2); short protein forms L384F.
Identifiers: ClinVar variation 3715794 (VCV003715794.3).

ClinVar aggregate classification (germline): Uncertain significance. Review status: criteria provided, multiple submitters, no conflicts (2 of 4 stars). 2 submissions from 2 submitters: Uncertain significance (2). Last evaluated 2025-11-26.

gnomAD v4.1: 12 of 1,209,421 alleles (0.00099%); highest among the groups gnomAD compares: Admixed American, 0.0088%; no homozygotes.

Submissions (2):

Ambry Genetics
Classification: Uncertain significance. Last evaluated: 2025-11-26. Review status: criteria provided, single submitter. Criteria: Ambry Variant Classification Scheme 2023. Collection method: clinical testing. Allele origin: germline.

Labcorp Genetics (formerly Invitae), Labcorp
Classification: Uncertain significance. Last evaluated: 2025-06-12. Review status: criteria provided, single submitter. Criteria: Invitae Variant Classification Sherloc (09022015). Collection method: clinical testing. Allele origin: germline.
Comment: This sequence change replaces leucine, which is neutral and non-polar, with phenylalanine, which is neutral and non-polar, at codon 384 of the TBC1D8B protein (p.Leu384Phe). This variant is present in population databases (rs750597893, gnomAD 0.008%). This variant has not been reported in the literature in individuals affected with TBC1D8B-related conditions. ClinVar contains an entry for this variant (Variation ID: 3715794). An algorithm developed to predict the effect of missense changes on protein structure and function outputs the following: PolyPhen-2: "Benign". The phenylalanine amino acid residue is found in multiple mammalian species, which suggests that this missense change does not adversely affect protein function. In summary, the available evidence is currently insufficient to determine the role of this variant in disease. Therefore, it has been classified as a Variant of Uncertain Significance.